The following is an entry in ClinVar:

ClinVar aggregate classification (germline): Uncertain significance (1 of 4 stars; one submission).

Allele frequency attached by ClinVar (database versions not stated): ExAC 0.00004; gnomAD 0.00008; TOPMed 0.00008.
gnomAD v4.1: 99 of 1,414,268 alleles (0.007%); highest among the groups gnomAD compares: Non-Finnish European, 0.0098%; no homozygotes.

Submission:

Labcorp Genetics (formerly Invitae), Labcorp
Classification: Uncertain significance. Last evaluated: 2024-10-07. Review status: criteria provided, single submitter. Criteria: Invitae Variant Classification Sherloc (09022015). Collection method: clinical testing. Allele origin: germline.
Comment: This sequence change replaces asparagine, which is neutral and polar, with aspartic acid, which is acidic and polar, at codon 553 of the GP6 protein (p.Asn553Asp). This variant is present in population databases (rs201681535, gnomAD 0.01%). This variant has not been reported in the literature in individuals affected with GP6-related conditions. ClinVar contains an entry for this variant (Variation ID: 2196060). An algorithm developed to predict the effect of missense changes on protein structure and function (PolyPhen-2) suggests that this variant is likely to be disruptive. In summary, the available evidence is currently insufficient to determine the role of this variant in disease. Therefore, it has been classified as a Variant of Uncertain Significance.

NM_016363.5(GP6):c.*633A>G

Gene: GP6 (glycoprotein VI platelet; minus strand). Cytogenetic location: 19q13.42.
Variant type: single nucleotide variant.
Coding change: c.*633A>G on transcript NM_016363.5 (MANE Select); 633 bases downstream of the stop codon, A replaced by G.
Molecular consequence: 3 prime UTR variant. On other transcripts: missense variant (1).
Genome position (GRCh38, 1-based): chr19:55,014,288, T>C on the plus strand (A>G on the coding strand, the complement: GP6 is on the minus strand). VCF-style: chr19-55014288-T-C. GRCh37 (hg19) VCF-style: chr19-55525656-T-C.
Other names: c.1657A>G, p.Asn553Asp (NM_001083899.2); c.*633A>G (NM_001256017.2); short protein forms N553D.
Identifiers: ClinVar variation 2196060 (VCV002196060.3), dbSNP rs201681535, ClinGen allele CA310121108.